The following is an entry in ClinVar:

ClinVar aggregate classification (germline): Benign/Likely benign. Review status: criteria provided, multiple submitters, no conflicts (2 of 4 stars). 7 submissions from 7 submitters: Benign (1); Likely benign (6). Last evaluated 2025-10-02.

Conditions:
Inborn genetic diseases. Identifiers: MedGen C0950123, MeSH D030342.
Intellectual disability. Also called: Intellectual functioning disability; intellectual disabilities; Intellectual developmental disorder. Identifiers: MedGen C3714756, MeSH D008607, MONDO:0001071, HP:0001249.
GABRB2-related disorder. Also called: GABRB2-related condition.

Allele frequency attached by ClinVar (database versions not stated): gnomAD exomes 0.00006; TOPMed 0.00007; ESP Exome Variant Server 0.00015; gnomAD 0.00005; ExAC 0.00006.
gnomAD v4.1: 110 of 1,613,450 alleles (0.0068%); highest among the groups gnomAD compares: Non-Finnish European, 0.0087%; no homozygotes.

Submissions (7):

Ambry Genetics
Classification: Likely benign for Inborn genetic diseases. Last evaluated: 2025-10-02. Review status: criteria provided, single submitter. Criteria: Ambry Variant Classification Scheme 2023. Collection method: clinical testing. Allele origin: germline.

CeGaT Center for Human Genetics Tuebingen
Classification: Likely benign. Last evaluated: 2025-07-01. Review status: criteria provided, single submitter. Criteria: CeGaT Center For Human Genetics Tuebingen Variant Classification Criteria Version 2. Collection method: clinical testing. Allele origin: germline. Affected: yes. Observed: 2 variant alleles.
Comment: GABRB2: BS1

Labcorp Genetics (formerly Invitae), Labcorp
Classification: Benign for Intellectual disability. Last evaluated: 2025-06-12. Review status: criteria provided, single submitter. Criteria: Invitae Variant Classification Sherloc (09022015). Collection method: clinical testing. Allele origin: germline.

Laboratory of Genetics, Children's Clinical University Hospital Latvia
Classification: Likely benign. Last evaluated: 2025-02-16. Review status: criteria provided, single submitter. Criteria: ACMG Guidelines, 2015. Collection method: clinical testing. Allele origin: germline. Affected: yes.

PreventionGenetics, part of Exact Sciences
Classification: Likely benign for GABRB2-related condition. Last evaluated: 2024-10-28. Review status: criteria provided, single submitter. Criteria: ACMG Guidelines, 2015. Collection method: clinical testing. Allele origin: germline.
Comment: This variant is classified as likely benign based on ACMG/AMP sequence variant interpretation guidelines (Richards et al. 2015 PMID: 25741868, with internal and published modifications).

GeneDx
Classification: Likely benign. Last evaluated: 2021-01-18. Review status: criteria provided, single submitter. Criteria: GeneDx Variant Classification Process June 2021. Collection method: clinical testing. Allele origin: germline. Affected: yes.

Breakthrough Genomics
Classification: Likely benign. Review status: criteria provided, single submitter. Criteria: ACMG Guidelines, 2015. Collection method: not provided. Allele origin: germline. Inheritance: Autosomal dominant inheritance. Affected: yes.

NM_001371727.1(GABRB2):c.1222A>C (p.Thr408Pro)

Gene: GABRB2 (gamma-aminobutyric acid type A receptor subunit beta2; minus strand). Cytogenetic location: 5q34.
Variant type: single nucleotide variant.
Coding change: c.1222A>C on transcript NM_001371727.1 (MANE Select); coding-DNA position 1222, A replaced by C.
Protein change: p.Thr408Pro; replaces threonine 408 with proline.
Molecular consequence: missense variant.
Genome position (GRCh38, 1-based): chr5:161,294,398, T>G on the plus strand (A>C on the coding strand, the complement: GABRB2 is on the minus strand). VCF-style: chr5-161294398-T-G. GRCh37 (hg19) VCF-style: chr5-160721405-T-G.
Other names: c.1108A>C, p.Thr370Pro (NM_000813.3); c.1222A>C, p.Thr408Pro (NM_021911.3); short protein forms T408P, T370P.
Identifiers: ClinVar variation 678206 (VCV000678206.28), dbSNP rs200591388, ClinGen allele CA3543362.